The following is an entry in ClinVar:

NM_003049.4(SLC10A1):c.747G>A (p.Arg249=)

Gene: SLC10A1 (solute carrier family 10 member 1; minus strand). Cytogenetic location: 14q24.1.
Variant type: single nucleotide variant.
Coding change: c.747G>A on transcript NM_003049.4 (MANE Select); coding-DNA position 747, G replaced by A.
Protein change: p.Arg249=; no amino-acid change (arginine 249 retained).
Molecular consequence: synonymous variant.
Genome position (GRCh38, 1-based): chr14:69,778,529, C>T on the plus strand (G>A on the coding strand, the complement: SLC10A1 is on the minus strand). VCF-style: chr14-69778529-C-T. GRCh37 (hg19) VCF-style: chr14-70245246-C-T.
Identifiers: ClinVar variation 3029552 (VCV003029552.2), dbSNP rs201049760, ClinGen allele CA262950562.

ClinVar aggregate classification (germline): Likely benign (0 of 4 stars; one submission).

Conditions:
SLC10A1-related disorder. Also called: SLC10A1-related condition.

Allele frequency attached by ClinVar (database versions not stated): gnomAD exomes below 0.00001; TOPMed below 0.00001.
gnomAD v4.1: 6 of 1,592,976 alleles (0.00038%); highest among the groups gnomAD compares: Admixed American, 0.0018%; no homozygotes.

Submission:

PreventionGenetics, part of Exact Sciences
Classification: Likely benign for SLC10A1-related condition. Last evaluated: 2023-12-27. Review status: no assertion criteria provided. Collection method: clinical testing. Allele origin: germline.
Comment: This variant is classified as likely benign based on ACMG/AMP sequence variant interpretation guidelines (Richards et al. 2015 PMID: 25741868, with internal and published modifications).